The following is an entry in ClinVar:

NM_001363511.2(MARCOL):c.762A>G (p.Gln254=)

Gene: MARCOL (MARCO like; plus strand). Cytogenetic location: 5q32.
Variant type: single nucleotide variant.
Coding change: c.762A>G on transcript NM_001363511.2 (MANE Select); coding-DNA position 762, A replaced by G.
Protein change: p.Gln254=; no amino-acid change (glutamine 254 retained).
Molecular consequence: synonymous variant.
Genome position (GRCh38, 1-based): chr5:148,243,158, A>G. VCF-style: chr5-148243158-A-G. GRCh37 (hg19) VCF-style: chr5-147622721-A-G.
Identifiers: ClinVar variation 2673032 (VCV002673032.23), dbSNP rs1755987692, ClinGen allele CA1082757457.

ClinVar aggregate classification (germline): Likely benign (1 of 4 stars; one submission).

Allele frequency attached by ClinVar (database versions not stated): TOPMed below 0.00001.

Submission:

CeGaT Center for Human Genetics Tuebingen
Classification: Likely benign. Last evaluated: 2023-11-01. Review status: criteria provided, single submitter. Criteria: CeGaT Center For Human Genetics Tuebingen Variant Classification Criteria Version 2. Collection method: clinical testing. Allele origin: germline. Affected: yes. Observed: 1 variant allele.
Comment: MARCOL: BP4, BP7